The following is an entry in ClinVar:

ClinVar aggregate classification (germline): Likely benign. Review status: criteria provided, multiple submitters, no conflicts (2 of 4 stars). 5 submissions from 5 submitters: Likely benign (5). Last evaluated 2025-04-28.

Conditions:
Frontometaphyseal dysplasia (FMD1). Identifiers: Orphanet 1826, MedGen C0265293, MONDO:0015942.
Heterotopia, periventricular, X-linked dominant (PVNH1). Also called: X-linked periventricular heterotopia; PERIVENTRICULAR NODULAR HETEROTOPIA 4; HETEROTOPIA, PERIVENTRICULAR, 1; PERIVENTRICULAR NODULAR HETEROTOPIA 1. Identifiers: Orphanet 2149, Orphanet 82004, MedGen C1848213, MONDO:0010233, OMIM 300049.
Oto-palato-digital syndrome, type II (OPD2). Also called: Otopalatodigital Syndrome Type 2 (FLNA-OPD2); FACIOPALATOOSSEOUS SYNDROME; Otopalatodigital Syndrome, Type II; OPD II SYNDROME. Identifiers: Orphanet 669, Orphanet 90652, MedGen C1844696, MONDO:0010571, OMIM 304120.
Melnick-Needles syndrome (MNS). Also called: Melnick-Needles Syndrome (FLNA-MNS); MELNICK-NEEDLES OSTEODYSPLASTY; OSTEODYSPLASTY OF MELNICK AND NEEDLES. Identifiers: Orphanet 2484, MedGen C0025237, MONDO:0010650, OMIM 309350.
Familial thoracic aortic aneurysm and aortic dissection (TAAD). Also called: Thoracic aortic aneurysms and dissections. Identifiers: Orphanet 91387, MedGen C4707243, MONDO:0019625.

Allele frequency attached by ClinVar (database versions not stated): ExAC 0.00002; gnomAD exomes 0.00003; TOPMed 0.00003; gnomAD 0.00004 and 0.00005; 1000 Genomes Project 0.00026; 1000 Genomes Project 30x 0.00042.
gnomAD v4.1: 38 of 1,209,205 alleles (0.0031%); highest among the groups gnomAD compares: African/African-American, 0.01%; no homozygotes.

Submissions (5):

Labcorp Genetics (formerly Invitae), Labcorp
Classification: Likely benign for Oto-palato-digital syndrome, type II; Heterotopia, periventricular, X-linked dominant; Frontometaphyseal dysplasia; Melnick-Needles syndrome. Last evaluated: 2025-04-28. Review status: criteria provided, single submitter. Criteria: Invitae Variant Classification Sherloc (09022015). Collection method: clinical testing. Allele origin: germline.

Blueprint Genetics
Classification: Likely benign. Last evaluated: 2024-03-01. Review status: criteria provided, single submitter. Criteria: ACMG Guidelines, 2015. Collection method: clinical testing. Allele origin: germline.

CeGaT Center for Human Genetics Tuebingen
Classification: Likely benign. Last evaluated: 2023-01-01. Review status: criteria provided, single submitter. Criteria: CeGaT Center For Human Genetics Tuebingen Variant Classification Criteria Version 2. Collection method: clinical testing. Allele origin: germline. Affected: yes. Observed: 1 variant allele.
Comment: FLNA: BP4, BP7, BS2

Ambry Genetics
Classification: Likely benign for Familial thoracic aortic aneurysm and aortic dissection. Last evaluated: 2022-11-07. Review status: criteria provided, single submitter. Criteria: Ambry Variant Classification Scheme 2023. Collection method: clinical testing. Allele origin: germline.

GeneDx
Classification: Likely benign. Last evaluated: 2017-02-09. Review status: criteria provided, single submitter. Criteria: GeneDx Variant Classification (06012015). Collection method: clinical testing. Allele origin: germline. Affected: yes.
Comment: This variant is considered likely benign or benign based on one or more of the following criteria: it is a conservative change, it occurs at a poorly conserved position in the protein, it is predicted to be benign by multiple in silico algorithms, and/or has population frequency not consistent with disease.

NM_001110556.2(FLNA):c.1248C>T (p.Val416=)

Gene: FLNA (filamin A; minus strand). Cytogenetic location: Xq28.
Variant type: single nucleotide variant.
Coding change: c.1248C>T on transcript NM_001110556.2 (MANE Select); coding-DNA position 1248, C replaced by T.
Protein change: p.Val416=; no amino-acid change (valine 416 retained).
Molecular consequence: synonymous variant.
Genome position (GRCh38, 1-based): chrX:154,366,205, G>A on the plus strand (C>T on the coding strand, the complement: FLNA is on the minus strand). VCF-style: chrX-154366205-G-A. GRCh37 (hg19) VCF-style: chrX-153594573-G-A.
Other names: c.1248C>T, p.Val416= (NM_001456.4).
Identifiers: ClinVar variation 516073 (VCV000516073.35), dbSNP rs781947994, ClinGen allele CA10561217.